The following is an entry in ClinVar:

ClinVar aggregate classification (germline): Likely pathogenic (1 of 4 stars; one submission).

Conditions:
Hereditary cancer-predisposing syndrome. Also called: Neoplastic Syndromes, Hereditary; Tumor predisposition; Hereditary Cancer Syndrome; Hereditary neoplastic syndrome. Identifiers: Orphanet 140162, MedGen C0027672, MeSH D009386, MONDO:0015356.

Submission:

Ambry Genetics
Classification: Likely pathogenic for Hereditary cancer-predisposing syndrome. Last evaluated: 2024-08-19. Review status: criteria provided, single submitter. Criteria: Ambry Variant Classification Scheme 2023. Collection method: clinical testing. Allele origin: germline.
Comment: The p.P374T variant (also known as c.1120C>A), located in coding exon 8 of the FH gene, results from a C to A substitution at nucleotide position 1120. The proline at codon 374 is replaced by threonine, an amino acid with highly similar properties. This variant was detected in a family whose clinical history is consistent with hereditary leiomyomatosis and renal cell cancer (HLRCC) (Ambry internal data). This amino acid position is highly conserved in available vertebrate species. Based on internal structural analysis, this variant is anticipated to result in a decrease in function (Ambry internal data). In addition, this alteration is predicted to be deleterious by in silico analysis. This variant is considered to be rare based on population cohorts in the Genome Aggregation Database (gnomAD). Based on the majority of available evidence to date, this variant is likely to be pathogenic.

Literature cited by the submitters: PubMed 21733559; PubMed 25004247.

NM_000143.4(FH):c.1120C>A (p.Pro374Thr)

Gene: FH (fumarate hydratase; minus strand). Cytogenetic location: 1q43.
Variant type: single nucleotide variant.
Coding change: c.1120C>A on transcript NM_000143.4 (MANE Select); coding-DNA position 1120, C replaced by A.
Protein change: p.Pro374Thr; replaces proline 374 with threonine.
Molecular consequence: missense variant.
Genome position (GRCh38, 1-based): chr1:241,502,559, G>T on the plus strand (C>A on the coding strand, the complement: FH is on the minus strand). VCF-style: chr1-241502559-G-T. GRCh37 (hg19) VCF-style: chr1-241665859-G-T.
Other names: short protein forms P374T.
Identifiers: ClinVar variation 233497 (VCV000233497.6), dbSNP rs876660446, ClinGen allele CA10577685.